The following is an entry in ClinVar:

NM_002519.3(NPAT):c.4154C>A (p.Ser1385Tyr)

Gene: NPAT (nuclear protein, coactivator of histone transcription; minus strand). Cytogenetic location: 11q22.3.
Variant type: single nucleotide variant.
Coding change: c.4154C>A on transcript NM_002519.3 (MANE Select); coding-DNA position 4154, C replaced by A.
Protein change: p.Ser1385Tyr; replaces serine 1385 with tyrosine.
Molecular consequence: missense variant.
Genome position (GRCh38, 1-based): chr11:108,160,932, G>T on the plus strand (C>A on the coding strand, the complement: NPAT is on the minus strand). VCF-style: chr11-108160932-G-T. GRCh37 (hg19) VCF-style: chr11-108031659-G-T.
Other names: c.4175C>A, p.Ser1392Tyr (NM_001321307.1); short protein forms S1392Y, S1385Y.
Identifiers: ClinVar variation 1738283 (VCV001738283.2), dbSNP rs1342655741, ClinGen allele CA382509255.

ClinVar aggregate classification (germline): Uncertain significance (1 of 4 stars; one submission).

Submission:

Ambry Genetics
Classification: Uncertain significance. Last evaluated: 2021-12-10. Review status: criteria provided, single submitter. Criteria: Ambry Variant Classification Scheme 2023. Collection method: clinical testing. Allele origin: germline.
Comment: The p.S1385Y variant (also known as c.4154C>A), located in coding exon 17 of the NPAT gene, results from a C to A substitution at nucleotide position 4154. The serine at codon 1385 is replaced by tyrosine, an amino acid with dissimilar properties. This amino acid position is conserved. In addition, this alteration is predicted to be tolerated by in silico analysis. Since supporting evidence is limited at this time, the clinical significance of this alteration remains unclear.